The following is an entry in ClinVar:

ClinVar aggregate classification (germline): Uncertain significance (1 of 4 stars; one submission).

Allele frequency attached by ClinVar (database versions not stated): TOPMed below 0.00001; gnomAD 0.00001.
gnomAD v4.1: 6 of 1,609,286 alleles (0.00037%); highest among the groups gnomAD compares: African/African-American, 0.0027%; no homozygotes.

Submission:

GeneDx
Classification: Uncertain significance. Last evaluated: 2019-12-06. Review status: criteria provided, single submitter. Criteria: GeneDx Variant Classification Process June 2021. Collection method: clinical testing. Allele origin: germline. Affected: yes.
Comment: Not observed in large population cohorts (Lek et al., 2016); In silico analysis, which includes protein predictors and evolutionary conservation, supports a deleterious effect; Has not been previously published as pathogenic or benign to our knowledge

NM_016628.5(WAC):c.95C>T (p.Ser32Leu)

Gene: WAC (WW domain containing adaptor with coiled-coil; plus strand). Cytogenetic location: 10p12.1.
Variant type: single nucleotide variant.
Coding change: c.95C>T on transcript NM_016628.5 (MANE Select); coding-DNA position 95, C replaced by T.
Protein change: p.Ser32Leu; replaces serine 32 with leucine.
Molecular consequence: missense variant. On other transcripts: 5 prime UTR variant (1).
Genome position (GRCh38, 1-based): chr10:28,535,578, C>T. VCF-style: chr10-28535578-C-T. GRCh37 (hg19) VCF-style: chr10-28824507-C-T.
Other names: c.-41C>T (NM_100264.3); c.95C>T, p.Ser32Leu (NM_100486.4); short protein forms S32L.
Identifiers: ClinVar variation 1307703 (VCV001307703.2), dbSNP rs958431018, ClinGen allele CA205094657.